The following is an entry in ClinVar:

ClinVar aggregate classification (germline): Uncertain significance (1 of 4 stars; one submission).

Conditions:
Ullrich congenital muscular dystrophy 2 (UCMD2). Identifiers: Orphanet 75840, MedGen C4225314, MONDO:0014654, OMIM 616470.
Bethlem myopathy 2 (BTHLM2). Identifiers: Orphanet 536516, Orphanet 610, MedGen C4225313, MONDO:0034022, OMIM 616471.

gnomAD v4.1: 2 of 1,614,048 alleles (0.00012%); highest among the groups gnomAD compares: Non-Finnish European, 0.00017%; no homozygotes.

Submission:

Labcorp Genetics (formerly Invitae), Labcorp
Classification: Uncertain significance for Bethlem myopathy 2; Ullrich congenital muscular dystrophy 2. Last evaluated: 2024-09-13. Review status: criteria provided, single submitter. Criteria: Invitae Variant Classification Sherloc (09022015). Collection method: clinical testing. Allele origin: germline.
Comment: This sequence change replaces methionine, which is neutral and non-polar, with isoleucine, which is neutral and non-polar, at codon 410 of the COL12A1 protein (p.Met410Ile). This variant is not present in population databases (gnomAD no frequency). This variant has not been reported in the literature in individuals affected with COL12A1-related conditions. Invitae Evidence Modeling of protein sequence and biophysical properties (such as structural, functional, and spatial information, amino acid conservation, physicochemical variation, residue mobility, and thermodynamic stability) indicates that this missense variant is not expected to disrupt COL12A1 protein function with a negative predictive value of 80%. In summary, the available evidence is currently insufficient to determine the role of this variant in disease. Therefore, it has been classified as a Variant of Uncertain Significance.

NM_004370.6(COL12A1):c.1230G>T (p.Met410Ile)

Gene: COL12A1 (collagen type XII alpha 1 chain; minus strand). Cytogenetic location: 6q13.
Variant type: single nucleotide variant.
Coding change: c.1230G>T on transcript NM_004370.6 (MANE Select); coding-DNA position 1230, G replaced by T.
Protein change: p.Met410Ile; replaces methionine 410 with isoleucine.
Molecular consequence: missense variant. On other transcripts: intron variant (2).
Genome position (GRCh38, 1-based): chr6:75,183,912, C>A on the plus strand (G>T on the coding strand, the complement: COL12A1 is on the minus strand). VCF-style: chr6-75183912-C-A. GRCh37 (hg19) VCF-style: chr6-75893628-C-A.
Other names: c.1230G>T, p.Met410Ile (NM_001424113.1, NM_001424114.1, NM_001424115.1); c.73+18808G>T (NM_001424116.1, NM_080645.3); short protein forms M410I.
Identifiers: ClinVar variation 3754768 (VCV003754768.2).